The following is an entry in ClinVar:

ClinVar aggregate classification (germline): Uncertain significance (1 of 4 stars; one submission).

Allele frequency attached by ClinVar (database versions not stated): gnomAD exomes 0.00001.

Submission:

Labcorp Genetics (formerly Invitae), Labcorp
Classification: Uncertain significance. Last evaluated: 2022-01-07. Review status: criteria provided, single submitter. Criteria: Invitae Variant Classification Sherloc (09022015). Collection method: clinical testing. Allele origin: germline.
Comment: Algorithms developed to predict the effect of missense changes on protein structure and function (SIFT, PolyPhen-2, Align-GVGD) all suggest that this variant is likely to be disruptive. This variant has not been reported in the literature in individuals affected with KARS-related conditions. This variant is present in population databases (no rsID available, gnomAD 0.006%). This sequence change replaces arginine, which is basic and polar, with tryptophan, which is neutral and slightly polar, at codon 342 of the KARS protein (p.Arg342Trp). In summary, the available evidence is currently insufficient to determine the role of this variant in disease. Therefore, it has been classified as a Variant of Uncertain Significance.

NM_005548.3(KARS1):c.940C>T (p.Arg314Trp)

Gene: KARS1 (lysyl-tRNA synthetase 1; minus strand). Cytogenetic location: 16q23.1.
Variant type: single nucleotide variant.
Coding change: c.940C>T on transcript NM_005548.3 (MANE Select); coding-DNA position 940, C replaced by T.
Protein change: p.Arg314Trp; replaces arginine 314 with tryptophan.
Molecular consequence: missense variant.
Genome position (GRCh38, 1-based): chr16:75,631,831, G>A on the plus strand (C>T on the coding strand, the complement: KARS1 is on the minus strand). VCF-style: chr16-75631831-G-A. GRCh37 (hg19) VCF-style: chr16-75665729-G-A.
Other names: c.1024C>T, p.Arg342Trp (NM_001130089.2); c.472C>T, p.Arg158Trp (NM_001378148.1); short protein forms R158W, R314W, R342W.
Identifiers: ClinVar variation 1682428 (VCV001682428.6), dbSNP rs749109933, ClinGen allele CA396812279.